The following is an entry in ClinVar:

NM_001037.5(SCN1B):c.448+100G>T

Gene: SCN1B (sodium voltage-gated channel beta subunit 1; plus strand). Cytogenetic location: 19q13.11.
Variant type: single nucleotide variant.
Coding change: c.448+100G>T on transcript NM_001037.5 (MANE Select); 100 bases into the intron after coding-DNA position 448, G replaced by T.
Molecular consequence: intron variant. On other transcripts: missense variant (1).
Genome position (GRCh38, 1-based): chr19:35,033,839, G>T. VCF-style: chr19-35033839-G-T. GRCh37 (hg19) VCF-style: chr19-35524743-G-T.
Other names: c.548G>T, p.Trp183Leu (NM_199037.5); c.349+100G>T (NM_001321605.2); short protein forms W183L.
Identifiers: ClinVar variation 496576 (VCV000496576.6), dbSNP rs779658201, ClinGen allele CA9372032.

ClinVar aggregate classification (germline): Uncertain significance. Review status: criteria provided, multiple submitters, no conflicts (2 of 4 stars). 4 submissions from 4 submitters: Uncertain significance (4). Last evaluated 2025-11-05.

Conditions:
Developmental and epileptic encephalopathy, 52 (DEE52). Also called: Epileptic encephalopathy, early infantile, 52. Identifiers: MedGen C4479236, MONDO:0033361, OMIM 617350.
Brugada syndrome 5 (BRGDA5). Identifiers: Orphanet 130, Orphanet 871, MedGen C2748541, MONDO:0013015, OMIM 612838.

Allele frequency attached by ClinVar (database versions not stated): gnomAD exomes below 0.00001; ExAC 0.00001; gnomAD 0.00002; TOPMed 0.00002.
gnomAD v4.1: 8 of 1,611,914 alleles (0.0005%); highest among the groups gnomAD compares: Non-Finnish European, 0.00068%; no homozygotes.

Submissions (4):

Labcorp Genetics (formerly Invitae), Labcorp
Classification: Uncertain significance for Brugada syndrome 5. Last evaluated: 2025-11-05. Review status: criteria provided, single submitter. Criteria: Invitae Variant Classification Sherloc (09022015). Collection method: clinical testing. Allele origin: germline.
Comment: This sequence change replaces tryptophan, which is neutral and slightly polar, with leucine, which is neutral and non-polar, at codon 183 of the SCN1B protein (p.Trp183Leu). This variant is present in population databases (rs779658201, gnomAD 0.002%). This variant has not been reported in the literature in individuals affected with SCN1B-related conditions. ClinVar contains an entry for this variant (Variation ID: 496576). An algorithm developed to predict the effect of missense changes on protein structure and function (PolyPhen-2) suggests that this variant is likely to be tolerated. In summary, the available evidence is currently insufficient to determine the role of this variant in disease. Therefore, it has been classified as a Variant of Uncertain Significance.

Women's Health and Genetics/Laboratory Corporation of America, LabCorp
Classification: Uncertain significance. Last evaluated: 2023-09-28. Review status: criteria provided, single submitter. Criteria: LabCorp Variant Classification Summary - May 2015. Collection method: clinical testing. Allele origin: germline.
Comment: Variant summary: SCN1B c.548G>T (p.Trp183Leu) results in a non-conservative amino acid change in the encoded protein sequence. Three of five in-silico tools predict a benign effect of the variant on protein function. The variant allele was found at a frequency of 4e-06 in 247812 control chromosomes. The available data on variant occurrences in the general population are insufficient to allow any conclusion about variant significance. c.548G>T has been reported in the literature in an individual who survived a clinically-idiopathic sudden cardiac arrest (Isbister_2021). This report does not provide unequivocal conclusions about association of the variant with SCN1B-Related Disorders. To our knowledge, no experimental evidence demonstrating an impact on protein function has been reported. The following publication has been ascertained in the context of this evaluation (PMID: 32931854). One submitter has cited a clinical-significance assessment for this variant to ClinVar after 2014 and has classified the variant as uncertain significance. Based on the evidence outlined above, the variant was classified as uncertain significance.

Victorian Clinical Genetics Services, Murdoch Childrens Research Institute
Classification: Uncertain significance for Developmental and epileptic encephalopathy, 52. Last evaluated: 2020-05-25. Review status: criteria provided, single submitter. Criteria: ACMG Guidelines, 2015. Collection method: clinical testing. Allele origin: germline. Affected: yes.
Comment: A heterozygous missense variant was identified, NM_199037.4(SCN1B):c.548G>T in exon 3 of 3 of the SCN1B gene. This substitution is predicted to create a minor amino acid change from tryptophan to leucine at position 183 of the protein NP_950238.1(SCN1B):p.(Trp183Leu). The tryptophan at this position has low conservation (100 vertebrates, UCSC), but is not situated in a known functional domain. In silico software predicts this variant to be benign (Polyphen, SIFT, CADD, Mutation Taster). The variant is present in the gnomAD population database at a frequency of 0.0004 % (1 heterozygote, 0 homozygotes). The variant has been previously reported as a variant of uncertain significance (VUS) in ClinVar. Based on information available at the time of curation, this variant has been classified as a VARIANT of UNCERTAIN SIGNIFICANCE (VUS) with LOW CLINICAL RELEVANCE. Legend: (P) - Pathogenic, (N) - Neutral, (B) - Benign

Blueprint Genetics
Classification: Uncertain significance. Last evaluated: 2019-10-11. Review status: criteria provided, single submitter. Criteria: ACMG Guidelines, 2015. Collection method: clinical testing. Allele origin: germline.

Literature cited by the submitters: PubMed 32931854 (cited by Women's Health and Genetics/Laboratory Corporation of America, LabCorp).